The following is an entry in ClinVar:

ClinVar aggregate classification (germline): Likely pathogenic (1 of 4 stars; one submission).

Conditions:
CHD7-related CHARGE syndrome. Identifiers: MedGen CN380413, MONDO:1010178, OMIM 214800.

Submission:

Victorian Clinical Genetics Services, Murdoch Childrens Research Institute
Classification: Likely pathogenic for CHD7-related CHARGE syndrome. Last evaluated: 2025-12-15. Review status: criteria provided, single submitter. Criteria: ACMG Guidelines, 2015. Collection method: clinical testing. Allele origin: germline. Affected: yes.
Comment: This variant is classified as Likely pathogenic. Evidence in support of pathogenic classification: Variant is absent from gnomAD (v2, v3 and v4); Other missense variant(s) comparable to the one identified in this case have strong previous evidence for pathogenicity. p.(Gly1684Ser) and p.(Gly1684Cys) have been reported as pathogenic/likely pathogenic by clinical testing laboratories (ClinVar) and in individuals with CHARGE syndrome (PMIDs: 18089695, 27562378, 31729160); Missense variant predicted to be damaging by in silico tool(s) or highly conserved with a major amino acid change; Additional information: Variant is predicted to result in a missense amino acid change from Gly to Arg; This variant is heterozygous; This gene is associated with autosomal dominant disease; This variant has no previous evidence of pathogenicity; No published evidence of segregation with disease has been identified for this variant; No published functional evidence has been identified for this variant; Variant is not located in an established domain, motif, hotspot or informative constraint region; Loss of function is a known mechanism of disease in this gene and is associated with CHARGE syndrome (MIM#214800) and hypogonadotropic hypogonadism 5 with or without anosmia (MIM#612370); Variants in this gene are known to have variable expressivity (PMID: 20301296).

Literature cited by the submitters: PubMed 27562378; PubMed 20301296; PubMed 31729160; PubMed 18089695.

NM_017780.4(CHD7):c.5050G>C (p.Gly1684Arg)

Gene: CHD7 (chromodomain helicase DNA binding protein 7; plus strand). Cytogenetic location: 8q12.2.
Variant type: single nucleotide variant.
Coding change: c.5050G>C on transcript NM_017780.4 (MANE Select); coding-DNA position 5050, G replaced by C.
Protein change: p.Gly1684Arg; replaces glycine 1684 with arginine.
Molecular consequence: missense variant. On other transcripts: intron variant (1).
Genome position (GRCh38, 1-based): chr8:60,845,063, G>C. VCF-style: chr8-60845063-G-C. GRCh37 (hg19) VCF-style: chr8-61757622-G-C.
Other names: c.1717-17166G>C (NM_001316690.1); short protein forms G1684R.
Identifiers: ClinVar variation 4819029 (VCV004819029.1).